The following is an entry in ClinVar:

ClinVar aggregate classification (germline): Likely benign. Review status: criteria provided, multiple submitters, no conflicts (2 of 4 stars). 9 submissions from 9 submitters: Likely benign (7). 2 of the submissions do not count toward it. Last evaluated 2025-09-05.

Conditions:
Cardiovascular phenotype. Identifiers: MedGen CN230736.
Hypertrophic cardiomyopathy 1 (CMH1). Also called: Familial hypertrophic cardiomyopathy 1; MYH7-Related Familial Hypertrophic Cardiomyopathy. Identifiers: MedGen C3495498, MONDO:0008647, OMIM 192600.
Sick sinus syndrome 3, susceptibility to (SSS3). Identifiers: Orphanet 166282, MedGen C3279791, MONDO:0013568, OMIM 614090.
Atrial septal defect 3 (ASD3). Identifiers: Orphanet 1478, MedGen C3279790, MONDO:0013567, OMIM 614089.
Dilated cardiomyopathy 1EE (CMD1EE). Identifiers: Orphanet 154, MedGen C2750466, MONDO:0013198, OMIM 613252.
Hypertrophic cardiomyopathy 14. Identifiers: MedGen C2750467, MONDO:0013197, OMIM 613251.

Allele frequency attached by ClinVar (database versions not stated): ExAC 0.00061; 1000 Genomes Project 30x 0.00234; 1000 Genomes Project 0.00260; gnomAD 0.00001 and 0.00020; TOPMed 0.00004; gnomAD exomes 0.00021 and 0.00039.
gnomAD v4.1: 341 of 1,610,328 alleles (0.021%); highest among the groups gnomAD compares: South Asian, 0.35%; 2 homozygotes.

Submissions (9):

Labcorp Genetics (formerly Invitae), Labcorp
Classification: Likely benign for Hypertrophic cardiomyopathy 14. Last evaluated: 2025-09-05. Review status: criteria provided, single submitter. Criteria: Invitae Variant Classification Sherloc (09022015). Collection method: clinical testing. Allele origin: germline.

Blueprint Genetics
Classification: Likely benign. Last evaluated: 2024-01-30. Review status: criteria provided, single submitter. Criteria: ACMG Guidelines, 2015. Collection method: clinical testing. Allele origin: germline.

Fulgent Genetics
Classification: Likely benign for Hypertrophic cardiomyopathy 1; Hypertrophic cardiomyopathy 14; Dilated cardiomyopathy 1EE; Atrial septal defect 3; Sick sinus syndrome 3, susceptibility to. Last evaluated: 2022-05-02. Review status: criteria provided, single submitter. Criteria: ACMG Guidelines, 2015. Collection method: clinical testing. Allele origin: unknown.

GeneDx
Classification: Likely benign. Last evaluated: 2018-03-09. Review status: criteria provided, single submitter. Criteria: GeneDx Variant Classification (06012015). Collection method: clinical testing. Allele origin: germline. Affected: yes.
Comment: This variant is considered likely benign or benign based on one or more of the following criteria: it is a conservative change, it occurs at a poorly conserved position in the protein, it is predicted to be benign by multiple in silico algorithms, and/or has population frequency not consistent with disease.

Ambry Genetics
Classification: Likely benign for Cardiovascular phenotype. Last evaluated: 2018-02-27. Review status: criteria provided, single submitter. Criteria: Ambry Variant Classification Scheme 2023. Collection method: clinical testing. Allele origin: germline.

Eurofins Ntd Llc (ga)
Classification: Likely benign. Last evaluated: 2015-02-05. Review status: criteria provided, single submitter. Criteria: EGL Classification Definitions 2015. Collection method: clinical testing. Allele origin: germline. Observed: 1 variant allele, 1 heterozygote.

Laboratory for Molecular Medicine, Mass General Brigham Personalized Medicine
Classification: Likely benign. Last evaluated: 2014-10-09. Review status: criteria provided, single submitter. Criteria: LMM Criteria. Collection method: clinical testing. Allele origin: germline. Observed: 1 variant allele.
Comment: p.Arg1131Arg in exon 26 of MYH6: This variant is not expected to have clinical s ignificance because it does not alter an amino acid residue and is not located w ithin the splice consensus sequence.

Clinical Genetics DNA and cytogenetics Diagnostics Lab, Erasmus MC, Erasmus Medical Center
Classification: Likely benign. Review status: no assertion criteria provided. Collection method: clinical testing. Allele origin: germline. Affected: yes. Study: VKGL Data-share Consensus. Not counted in ClinVar's aggregate classification.

Joint Genome Diagnostic Labs from Nijmegen and Maastricht, Radboudumc and MUMC+
Classification: Benign. Review status: no assertion criteria provided. Collection method: clinical testing. Allele origin: germline. Affected: yes. Study: VKGL Data-share Consensus. Not counted in ClinVar's aggregate classification.

NM_002471.4(MYH6):c.3393G>A (p.Arg1131=)

Gene: MYH6 (myosin heavy chain 6; minus strand). Cytogenetic location: 14q11.2.
Variant type: single nucleotide variant.
Coding change: c.3393G>A on transcript NM_002471.4 (MANE Select); coding-DNA position 3393, G replaced by A.
Protein change: p.Arg1131=; no amino-acid change (arginine 1131 retained).
Molecular consequence: synonymous variant.
Genome position (GRCh38, 1-based): chr14:23,390,396, C>T on the plus strand (G>A on the coding strand, the complement: MYH6 is on the minus strand). VCF-style: chr14-23390396-C-T. GRCh37 (hg19) VCF-style: chr14-23859605-C-T.
Identifiers: ClinVar variation 180016 (VCV000180016.25), dbSNP rs529107714, ClinGen allele CA185639.